The following is an entry in ClinVar:

ClinVar aggregate classification (germline): Conflicting classifications of pathogenicity. Review status: criteria provided, conflicting classifications (1 of 4 stars). 5 submissions from 5 submitters: Uncertain significance (2); Likely benign (3). Last evaluated 2026-02-04.

Conditions:
Hereditary cancer-predisposing syndrome. Also called: Tumor predisposition; Neoplastic Syndromes, Hereditary; Hereditary Cancer Syndrome; Hereditary neoplastic syndrome. Identifiers: Orphanet 140162, MedGen C0027672, MeSH D009386, MONDO:0015356.
Tuberous sclerosis syndrome (TSC). Also called: Tuberous Sclerosis Complex; Tuberous sclerosis. Identifiers: Orphanet 805, MedGen C0041341, MONDO:0001734.
Tuberous sclerosis 2 (TSC2). Identifiers: Orphanet 805, MedGen C1860707, MONDO:0013199, OMIM 613254.

Allele frequency attached by ClinVar (database versions not stated): gnomAD exomes 0.00001; TOPMed 0.00001; ExAC 0.00002.
gnomAD v4.1: 21 of 1,613,146 alleles (0.0013%); highest among the groups gnomAD compares: African/African-American, 0.0053%; no homozygotes.

Submissions (5):

Labcorp Genetics (formerly Invitae), Labcorp
Classification: Likely benign for Tuberous sclerosis 2. Last evaluated: 2026-02-04. Review status: criteria provided, single submitter. Criteria: Invitae Variant Classification Sherloc (09022015). Collection method: clinical testing. Allele origin: germline.

All of Us Research Program, National Institutes of Health
Classification: Uncertain significance for Tuberous sclerosis syndrome. Last evaluated: 2023-08-15. Review status: criteria provided, single submitter. Criteria: ACMG Guidelines, 2015. Collection method: clinical testing. Allele origin: germline. Inheritance: Autosomal dominant inheritance. Observed: 5 variant alleles, 5 heterozygotes.
Comment: This variant causes a G to A nucleotide substitution at the +5 position of intron 18 of the TSC2 gene. Splice site prediction tools suggest that this variant may have a significant impact on RNA splicing, although this prediction has not been confirmed in published RNA studies. This variant has not been reported in individuals affected with TSC2-related disorders in the literature. This variant has been identified in 2/249476 chromosomes in the general population by the Genome Aggregation Database (gnomAD). The available evidence is insufficient to determine the role of this variant in disease conclusively. Therefore, this variant is classified as a Variant of Uncertain Significance.

This study involves interpretation of variants in research participants for the purpose of population health screening. Participant phenotype was not available at the time of variant classification. Additional details can be found in publication PMID: 35346344, PMCID: PMC8962531

Ambry Genetics
Classification: Likely benign for Hereditary cancer-predisposing syndrome. Last evaluated: 2022-11-22. Review status: criteria provided, single submitter. Criteria: Ambry Variant Classification Scheme 2023. Collection method: clinical testing. Allele origin: germline.

Genome-Nilou Lab
Classification: Likely benign for Tuberous sclerosis 2. Last evaluated: 2021-11-07. Review status: criteria provided, single submitter. Criteria: ACMG Guidelines, 2015. Collection method: clinical testing. Allele origin: germline. Affected: no.

GeneDx
Classification: Uncertain significance. Last evaluated: 2019-07-24. Review status: criteria provided, single submitter. Criteria: GeneDx Variant Classification Process June 2021. Collection method: clinical testing. Allele origin: germline. Affected: yes.
Comment: In silico analysis, which includes splice predictors and evolutionary conservation, supports a deleterious effect; Has not been previously published as pathogenic or benign to our knowledge

NM_000548.5(TSC2):c.1946+5G>A

Gene: TSC2 (TSC complex subunit 2; plus strand). Cytogenetic location: 16p13.3.
Variant type: single nucleotide variant.
Coding change: c.1946+5G>A on transcript NM_000548.5 (MANE Select); 5 bases into the intron after coding-DNA position 1946, G replaced by A.
Molecular consequence: intron variant.
Genome position (GRCh38, 1-based): chr16:2,071,621, G>A. VCF-style: chr16-2071621-G-A. GRCh37 (hg19) VCF-style: chr16-2121622-G-A.
Other names: c.1946+5G>A (NM_001114382.3, NM_021055.3, NM_001370405.1 and 3 more transcripts); c.1835+5G>A (NM_001318827.2); c.1346+5G>A (NM_001318831.2); c.1799+5G>A (NM_001318829.2); c.1979+5G>A (NM_001318832.2).
Identifiers: ClinVar variation 405996 (VCV000405996.20), dbSNP rs766646261, ClinGen allele CA034947.